The following is an entry in ClinVar:

ClinVar aggregate classification (germline): Benign/Likely benign. Review status: criteria provided, multiple submitters, no conflicts (2 of 4 stars). 4 submissions from 4 submitters: Benign (1); Likely benign (3). Last evaluated 2024-11-26.

Conditions:
Hereditary cancer-predisposing syndrome. Also called: Neoplastic Syndromes, Hereditary; Tumor predisposition; Hereditary neoplastic syndrome; Hereditary Cancer Syndrome. Identifiers: Orphanet 140162, MedGen C0027672, MeSH D009386, MONDO:0015356.
Desmoid disease, hereditary (DESMD). Also called: FIBROMATOSIS, FAMILIAL INFILTRATIVE. Identifiers: Orphanet 873, MedGen C1851124, OMIM 135290. Disease mechanism: loss of function.
Familial adenomatous polyposis 1 (FAP1). Also called: POLYPOSIS, ADENOMATOUS INTESTINAL; FAMILIAL ADENOMATOUS POLYPOSIS 1, ATTENUATED. Identifiers: MedGen C2713442, MONDO:0021056, OMIM 175100. Disease mechanism: loss of function.

Allele frequency attached by ClinVar (database versions not stated): gnomAD exomes below 0.00001.

Submissions (4):

Labcorp Genetics (formerly Invitae), Labcorp
Classification: Likely benign for Familial adenomatous polyposis 1. Last evaluated: 2024-11-26. Review status: criteria provided, single submitter. Criteria: Invitae Variant Classification Sherloc (09022015). Collection method: clinical testing. Allele origin: germline.

Myriad Genetics, Inc.
Classification: Benign for Familial adenomatous polyposis 1. Last evaluated: 2024-02-22. Review status: criteria provided, single submitter. Criteria: Myriad Autosomal Dominant, Autosomal Recessive and X-Linked Classification Criteria (2023). Collection method: clinical testing. Allele origin: unknown.
Comment: This variant is considered benign. This variant is a silent/synonymous amino acid change and it is not expected to impact splicing.

Department of Pathology and Laboratory Medicine, Sinai Health System
Classification: Likely benign for Desmoid disease, hereditary. Last evaluated: 2022-07-05. Review status: criteria provided, single submitter. Criteria: ACMG Guidelines, 2015. Collection method: clinical testing. Allele origin: germline. Affected: yes.

Ambry Genetics
Classification: Likely benign for Hereditary cancer-predisposing syndrome. Last evaluated: 2017-09-26. Review status: criteria provided, single submitter. Criteria: Ambry Variant Classification Scheme 2023. Collection method: clinical testing. Allele origin: germline.

NM_000038.6(APC):c.357A>G (p.Pro119=)

Gene: APC (APC regulator of Wnt signaling pathway; plus strand). Cytogenetic location: 5q22.2.
Variant type: single nucleotide variant.
Coding change: c.357A>G on transcript NM_000038.6 (MANE Select); coding-DNA position 357, A replaced by G.
Protein change: p.Pro119=; no amino-acid change (proline 119 retained).
Molecular consequence: synonymous variant. On other transcripts: 5 prime UTR variant (1).
Genome position (GRCh38, 1-based): chr5:112,767,325, A>G. VCF-style: chr5-112767325-A-G. GRCh37 (hg19) VCF-style: chr5-112103022-A-G.
Other names: c.357A>G, p.Pro119= (NM_001127510.3, NM_001354895.2, NM_001354896.2 and 2 more transcripts); c.387A>G, p.Pro129= (NM_001127511.3, NM_001354897.2, NM_001354902.2); c.282A>G, p.Pro94= (NM_001354898.2, NM_001354904.2); c.180A>G, p.Pro60= (NM_001354900.2, NM_001354901.2, NM_001354905.2); c.-679A>G (NM_001354906.2).
Identifiers: ClinVar variation 823950 (VCV000823950.15), dbSNP rs1306334779, ClinGen allele CA445753374.